The following is an entry in ClinVar:

NM_000081.4(LYST):c.6154A>G (p.Ile2052Val)

Gene: LYST (lysosomal trafficking regulator; minus strand). Cytogenetic location: 1q42.3.
Variant type: single nucleotide variant.
Coding change: c.6154A>G on transcript NM_000081.4 (MANE Select); coding-DNA position 6154, A replaced by G.
Protein change: p.Ile2052Val; replaces isoleucine 2052 with valine.
Molecular consequence: missense variant.
Genome position (GRCh38, 1-based): chr1:235,762,819, T>C on the plus strand (A>G on the coding strand, the complement: LYST is on the minus strand). VCF-style: chr1-235762819-T-C. GRCh37 (hg19) VCF-style: chr1-235926119-T-C.
Other names: c.6154A>G, p.Ile2052Val (NM_001301365.1); short protein forms I2052V.
Identifiers: ClinVar variation 1974252 (VCV001974252.2), dbSNP rs528647541, ClinGen allele CA1466435.

ClinVar aggregate classification (germline): Uncertain significance (1 of 4 stars; one submission).

Conditions:
Chédiak-Higashi syndrome (CHS). Also called: Chediak-Higashi Syndrome. Identifiers: Orphanet 167, MedGen C0007965, MONDO:0008963, OMIM 214500.

Allele frequency attached by ClinVar (database versions not stated): TOPMed 0.00001; gnomAD 0.00003; ExAC 0.00007; 1000 Genomes Project 30x 0.00016; 1000 Genomes Project 0.00020.
gnomAD v4.1: 89 of 1,613,570 alleles (0.0055%); highest among the groups gnomAD compares: South Asian, 0.063%; no homozygotes.

Submission:

Labcorp Genetics (formerly Invitae), Labcorp
Classification: Uncertain significance for Chédiak-Higashi syndrome. Last evaluated: 2022-08-09. Review status: criteria provided, single submitter. Criteria: Invitae Variant Classification Sherloc (09022015). Collection method: clinical testing. Allele origin: germline.
Comment: This sequence change replaces isoleucine, which is neutral and non-polar, with valine, which is neutral and non-polar, at codon 2052 of the LYST protein (p.Ile2052Val). This variant is present in population databases (rs528647541, gnomAD 0.06%). This variant has not been reported in the literature in individuals affected with LYST-related conditions. Algorithms developed to predict the effect of missense changes on protein structure and function are either unavailable or do not agree on the potential impact of this missense change (SIFT: "Tolerated"; PolyPhen-2: "Possibly Damaging"; Align-GVGD: "Class C0"). In summary, the available evidence is currently insufficient to determine the role of this variant in disease. Therefore, it has been classified as a Variant of Uncertain Significance.